The following is an entry in ClinVar:

ClinVar aggregate classification (germline): Uncertain significance. Review status: criteria provided, multiple submitters, no conflicts (2 of 4 stars). 2 submissions from 2 submitters: Uncertain significance (2). Last evaluated 2023-03-30.

Conditions:
ANK2-associated Neurodevelopmental Disorder.
Long QT syndrome (LQTS). Identifiers: MedGen C0023976, MeSH D008133, MONDO:0002442. Disease mechanism: loss of function. Inheritance: Various modes of inheritance.

Allele frequency attached by ClinVar (database versions not stated): gnomAD exomes below 0.00001; gnomAD 0.00001; TOPMed 0.00002.
gnomAD v4.1: 5 of 1,613,434 alleles (0.00031%); highest among the groups gnomAD compares: African/African-American, 0.0013%; no homozygotes.

Submissions (2):

Labcorp Genetics (formerly Invitae), Labcorp
Classification: Uncertain significance for Long QT syndrome. Last evaluated: 2023-03-30. Review status: criteria provided, single submitter. Criteria: Invitae Variant Classification Sherloc (09022015). Collection method: clinical testing. Allele origin: germline.
Comment: In summary, the available evidence is currently insufficient to determine the role of this variant in disease. Therefore, it has been classified as a Variant of Uncertain Significance. Advanced modeling of protein sequence and biophysical properties (such as structural, functional, and spatial information, amino acid conservation, physicochemical variation, residue mobility, and thermodynamic stability) has been performed at Invitae for this missense variant, however the output from this modeling did not meet the statistical confidence thresholds required to predict the impact of this variant on ANK2 protein function. ClinVar contains an entry for this variant (Variation ID: 578699). This missense change has been observed in individual(s) with sudden unexplained death (PMID: 29247119). This variant is not present in population databases (gnomAD no frequency). This sequence change replaces lysine, which is basic and polar, with glutamic acid, which is acidic and polar, at codon 114 of the ANK2 protein (p.Lys114Glu).

New York Genome Center
Classification: Uncertain significance for ANK2-associated Neurodevelopmental Disorder. Last evaluated: 2021-03-05. Review status: criteria provided, single submitter. Criteria: NYGC Assertion Criteria 2020. Collection method: clinical testing. Allele origin: germline. Observed: 1 heterozygote. Study: CSER-NYCKidSeq.
Comment: The c.340A>G (p.Lys114Glu) variant identified in the ANK2 gene substitutes a well conserved Lysine for Glutamic Acid at amino acid 114/3958 (exon 4/46). This variant is found with low frequency in gnomAD(v3.1) (1 heterozygote, 0 homozygotes; allele frequency: 6.57e-6) suggesting it is not a common benign variant in the populations represented in that database. In silico algorithms predict this variant to be Tolerated (SIFT; score:0.476) and Benign (REVEL; score:0.4639) to the function of the canonical transcript. This variant is reported in ClinVar as a Variant of Uncertain Significance (VarID:578699), and to our current knowledge has not been reported in any individuals with ANK2 associated neurodevelopmental disorder. The p.Lys114 residue is within Ankyrin Repeat 3 of the ANK2 protein (UniProtKB:Q01484). Given the lack of compelling evidence for its pathogenicity, the c.340A>G (p.Lys114Glu) variant identified in the ANK2 gene is reported as a Variant of Uncertain Significance.

Literature cited by the submitters: PubMed 29247119 (cited by Labcorp Genetics (formerly Invitae), Labcorp).

NM_001148.6(ANK2):c.340A>G (p.Lys114Glu)

Gene: ANK2 (ankyrin 2; plus strand). Cytogenetic location: 4q25.
Variant type: single nucleotide variant.
Coding change: c.340A>G on transcript NM_001148.6 (MANE Select); coding-DNA position 340, A replaced by G.
Protein change: p.Lys114Glu; replaces lysine 114 with glutamic acid.
Molecular consequence: missense variant.
Genome position (GRCh38, 1-based): chr4:113,199,065, A>G. VCF-style: chr4-113199065-A-G. GRCh37 (hg19) VCF-style: chr4-114120221-A-G.
Other names: c.277A>G, p.Lys93Glu (NM_001127493.3, NM_001354239.2, NM_001354243.2 and 33 more transcripts); c.340A>G, p.Lys114Glu (NM_001354225.2, NM_001354228.2, NM_001354232.2 and 9 more transcripts); c.385A>G, p.Lys129Glu (NM_001354230.2, NM_001354231.2, NM_001354237.2 and 5 more transcripts); c.322A>G, p.Lys108Glu (NM_001354261.2, NM_001386147.1, NM_001386160.1); c.328A>G, p.Lys110Glu (NM_001354269.3, NM_001386148.2, NM_001386186.2 and 1 more transcripts); c.391A>G, p.Lys131Glu (NM_001386174.1, NM_001386175.1); short protein forms K93E, K114E, K110E, K108E, K129E, K131E.
Identifiers: ClinVar variation 578699 (VCV000578699.6), dbSNP rs1562826841, ClinGen allele CA357993709.